The following is an entry in ClinVar:

ClinVar aggregate classification (germline): Uncertain significance (1 of 4 stars; one submission).

Allele frequency attached by ClinVar (database versions not stated): gnomAD exomes below 0.00001; TOPMed 0.00002; gnomAD 0.00003.
gnomAD v4.1: 5 of 1,614,126 alleles (0.00031%); highest among the groups gnomAD compares: African/African-American, 0.0053%; no homozygotes.

Submission:

Labcorp Genetics (formerly Invitae), Labcorp
Classification: Uncertain significance. Last evaluated: 2022-10-17. Review status: criteria provided, single submitter. Criteria: Invitae Variant Classification Sherloc (09022015). Collection method: clinical testing. Allele origin: germline.
Comment: This sequence change replaces proline, which is neutral and non-polar, with leucine, which is neutral and non-polar, at codon 815 of the RUSC2 protein (p.Pro815Leu). This variant is present in population databases (no rsID available, gnomAD 0.01%). This variant has not been reported in the literature in individuals affected with RUSC2-related conditions. Algorithms developed to predict the effect of missense changes on protein structure and function output the following: SIFT: "Deleterious"; PolyPhen-2: "Benign"; Align-GVGD: "Class C0". The leucine amino acid residue is found in multiple mammalian species, which suggests that this missense change does not adversely affect protein function. In summary, the available evidence is currently insufficient to determine the role of this variant in disease. Therefore, it has been classified as a Variant of Uncertain Significance.

NM_014806.5(RUSC2):c.2444C>T (p.Pro815Leu)

Gene: RUSC2 (RUN and SH3 domain containing 2; plus strand). Cytogenetic location: 9p13.3.
Variant type: single nucleotide variant.
Coding change: c.2444C>T on transcript NM_014806.5 (MANE Select); coding-DNA position 2444, C replaced by T.
Protein change: p.Pro815Leu; replaces proline 815 with leucine.
Molecular consequence: missense variant. On other transcripts: 5 prime UTR variant (1), non-coding transcript variant (1).
Genome position (GRCh38, 1-based): chr9:35,555,489, C>T. VCF-style: chr9-35555489-C-T. GRCh37 (hg19) VCF-style: chr9-35555486-C-T.
Other names: c.2444C>T, p.Pro815Leu (NM_001135999.2); c.-191C>T (NM_001330740.2); short protein forms P815L.
Identifiers: ClinVar variation 2111156 (VCV002111156.1), dbSNP rs1465534699, ClinGen allele CA373341809.